The following is an entry in ClinVar:

NM_001010892.3(RSPH4A):c.1732_1733del (p.Asp578fs)

Gene: RSPH4A (radial spoke head component 4A; plus strand). Cytogenetic location: 6q22.1.
Variant type: Deletion.
Coding change: c.1732_1733del on transcript NM_001010892.3 (MANE Select); coding-DNA positions 1732 to 1733, 2 bases deleted (GA; older notation c.1732_1733delGA).
Protein change: p.Asp578fs; shifts the reading frame from aspartic acid 578.
Molecular consequence: frameshift variant. On other transcripts: intron variant (1).
Genome position (GRCh38, 1-based): chr6:116,629,636-116,629,637, GA deleted; deleting any 2 consecutive bases within chr6:116,629,635-116,629,637 gives the same sequence; the c. name uses the placement nearest the transcript's 3' end. VCF-style (leftmost placement, unchanged base first): chr6-116629634-AAG-A. GRCh37 (hg19) VCF-style: chr6-116950797-AAG-A.
Other names: c.1663-799_1663-798del (NM_001161664.2); short protein forms D578fs.
Identifiers: ClinVar variation 1451767 (VCV001451767.8), dbSNP rs750219987, ClinGen allele CA3971019.

ClinVar aggregate classification (germline): Pathogenic (1 of 4 stars; one submission).

Conditions:
Primary ciliary dyskinesia. Also called: Ciliary dyskinesia. Identifiers: Orphanet 244, MedGen C0008780, MONDO:0016575, HP:0012265.

Submission:

Labcorp Genetics (formerly Invitae), Labcorp
Classification: Pathogenic for Primary ciliary dyskinesia. Last evaluated: 2021-01-19. Review status: criteria provided, single submitter. Criteria: Invitae Variant Classification Sherloc (09022015). Collection method: clinical testing. Allele origin: germline.
Comment: The frequency data for this variant in the population databases is considered unreliable, as metrics indicate poor data quality at this position in the ExAC database. For these reasons, this variant has been classified as Pathogenic. This variant has been observed in individual(s) with primary ciliary dyskinesia (PMID: 23798057). In at least one individual the data is consistent with the variant being in trans (on the opposite chromosome) from a pathogenic variant. This sequence change creates a premature translational stop signal (p.Asp578Argfs*3) in the RSPH4A gene. It is expected to result in an absent or disrupted protein product. Loss-of-function variants in RSPH4A are known to be pathogenic (PMID: 19200523).

Literature cited by the submitters: PubMed 23798057; PubMed 19200523.